The following is an entry in ClinVar:

ClinVar aggregate classification (germline): Likely pathogenic (1 of 4 stars; one submission).

Conditions:
alpha Thalassemia. Also called: Alpha thalassemia spectrum. Identifiers: Orphanet 846, MedGen C0002312, MONDO:0011399, OMIM 604131.

Submission:

Natera, Inc.
Classification: Likely pathogenic for Alpha thalassemia. Last evaluated: 2025-10-07. Review status: criteria provided, single submitter. Criteria: Natera Variant Classification Schema (03/2026). Collection method: clinical testing. Allele origin: germline.
Comment: The c.96-8_130del variant in HBA2 is a frameshift variant predicted to shift the reading frame and introduce a stop codon. This variant is expected to result in nonsense mediated decay, truncation, or a dysfunctional protein product. This variant is rare in the general population with a frequency below the threshold expected for the associated phenotype(s). Given the available evidence, this variant is classified as Likely Pathogenic.

NM_000517.6(HBA2):c.96-8_130del

Genes: HBA2 (hemoglobin subunit alpha 2; plus strand), LOC106804612 (hemoglobin subunit alpha 2 recombination region; plus strand). Cytogenetic location: 16p13.3.
Variant type: Deletion.
Coding change: c.96-8_130del on transcript NM_000517.6 (MANE Select); 8 bases into the intron before coding-DNA position 96 through coding-DNA position 130, 43 bases deleted.
Molecular consequence: splice acceptor variant.
Genome position (GRCh38, 1-based): chr16:173,117-173,159, 43 bases deleted; deleting any 43 consecutive bases within chr16:173,115-173,159 gives the same sequence; the c. name uses the placement nearest the transcript's 3' end. GRCh37 (hg19): chr16:223,116-223,158.
Identifiers: ClinVar variation 4818695 (VCV004818695.1).